The following is an entry in ClinVar:

NM_001033.5(RRM1):c.58T>C (p.Ser20Pro)

Gene: RRM1 (ribonucleotide reductase catalytic subunit M1; plus strand). Cytogenetic location: 11p15.4.
Variant type: single nucleotide variant.
Coding change: c.58T>C on transcript NM_001033.5 (MANE Select); coding-DNA position 58, T replaced by C.
Protein change: p.Ser20Pro; replaces serine 20 with proline.
Molecular consequence: missense variant. On other transcripts: 5 prime UTR variant (1).
Genome position (GRCh38, 1-based): chr11:4,102,031, T>C. VCF-style: chr11-4102031-T-C. GRCh37 (hg19) VCF-style: chr11-4123261-T-C.
Other names: c.-56T>C (NM_001318064.1); short protein forms S20P.
Identifiers: ClinVar variation 2672455 (VCV002672455.23), dbSNP rs2498581340, ClinGen allele CA379200106.

ClinVar aggregate classification (germline): Uncertain significance (1 of 4 stars; one submission).

Submission:

CeGaT Center for Human Genetics Tuebingen
Classification: Uncertain significance. Last evaluated: 2024-06-01. Review status: criteria provided, single submitter. Criteria: CeGaT Center For Human Genetics Tuebingen Variant Classification Criteria Version 2. Collection method: clinical testing. Allele origin: germline. Affected: yes. Observed: 1 variant allele.
Comment: RRM1: PM2